The following is an entry in ClinVar:

NM_000540.3(RYR1):c.13910C>T (p.Thr4637Ile)

Gene: RYR1 (ryanodine receptor 1; plus strand). Cytogenetic location: 19q13.2.
Variant type: single nucleotide variant.
Coding change: c.13910C>T on transcript NM_000540.3 (MANE Select); coding-DNA position 13910, C replaced by T.
Protein change: p.Thr4637Ile; replaces threonine 4637 with isoleucine.
Molecular consequence: missense variant.
Genome position (GRCh38, 1-based): chr19:38,572,182, C>T. VCF-style: chr19-38572182-C-T. GRCh37 (hg19) VCF-style: chr19-39062822-C-T.
Other names: c.13895C>T, p.Thr4632Ile (NM_001042723.2); short protein forms T4637I, T4632I.
Identifiers: ClinVar variation 65995 (VCV000065995.12), dbSNP rs118192134, ClinGen allele CA024080.

ClinVar aggregate classification (germline): Pathogenic. Review status: criteria provided, multiple submitters, no conflicts (2 of 4 stars). 4 submissions from 4 submitters: Pathogenic (2). 2 of the submissions do not count toward it. Last evaluated 2023-05-02.

Conditions:
RYR1-related disorder. Also called: RYR1-related condition; RYR1-related disorders. Identifiers: MedGen CN239331.
Central core myopathy (CMYO1A). Also called: Central core disease; Myopathy, central fibrillar; CONGENITAL MYOPATHY 1A, AUTOSOMAL DOMINANT, WITH SUSCEPTIBILITY TO MALIGNANT HYPERTHERMIA. Identifiers: Orphanet 597, MedGen C5830701, MONDO:0007294, OMIM 117000.

Submissions (4):

Laboratory of Medical Genetics, National & Kapodistrian University of Athens
Classification: Pathogenic for Central core myopathy. Last evaluated: 2023-05-02. Review status: criteria provided, single submitter. Criteria: ACMG Guidelines, 2015. Collection method: clinical testing. Allele origin: germline. Affected: yes.
Comment: PS2, PM1, PM2, PM5, PP3, PP5

Labcorp Genetics (formerly Invitae), Labcorp
Classification: Pathogenic for RYR1-related disorder. Last evaluated: 2019-08-23. Review status: criteria provided, single submitter. Criteria: Invitae Variant Classification Sherloc (09022015). Collection method: clinical testing. Allele origin: germline.
Comment: This sequence change replaces threonine with isoleucine at codon 4637 of the RYR1 protein (p.Thr4637Ile). The threonine residue is highly conserved and there is a moderate physicochemical difference between threonine and isoleucine. This variant is not present in population databases (ExAC no frequency). This variant has been reported in individuals affected with central core disease and myopathy and has been observed to segregate with disease in a family (PMID: 12565913, Invitae). In addition, this variant was observed de novo in at least one individual (Invitae). ClinVar contains an entry for this variant (Variation ID: 65995). Algorithms developed to predict the effect of missense changes on protein structure and function do not agree on the potential impact of this missense change (SIFT: "Deleterious"; PolyPhen-2: "Not Available"; Align-GVGD: "Class C0"). A different missense substitution at this codon (p.Thr4637Ala) has been determined to be pathogenic (PMID: 11113224). This suggests that the threonine residue is critical for RYR1 protein function and that other missense substitutions at this position may also be pathogenic. In addition, this sequence change is located in a region of the RYR1 protein where a significant number of previously reported RYR1 missense mutations are found (PMID: 16084090). For these reasons, this variant has been classified as Pathogenic.

GeneReviews
Classification: Pathogenic for Central Core Disease. Last evaluated: 2010-05-11. Review status: no assertion criteria provided. Collection method: curation. Allele origin: unknown. Not counted in ClinVar's aggregate classification.
ClinVar note: Converted during submission from pathologic to Pathogenic.

RYR1 database
No classification provided. Review status: no classification provided. Collection method: not provided. Allele origin: unknown. Not counted in ClinVar's aggregate classification.

Literature cited by the submitters: PubMed 12565913 (cited by Labcorp Genetics (formerly Invitae), Labcorp); PubMed 11113224 (cited by Labcorp Genetics (formerly Invitae), Labcorp); PubMed 16084090 (cited by Labcorp Genetics (formerly Invitae), Labcorp).